The following is an entry in ClinVar:

NM_000548.5(TSC2):c.5060G>A (p.Cys1687Tyr)

Gene: TSC2 (TSC complex subunit 2; plus strand). Cytogenetic location: 16p13.3.
Variant type: single nucleotide variant.
Coding change: c.5060G>A on transcript NM_000548.5 (MANE Select); coding-DNA position 5060, G replaced by A.
Protein change: p.Cys1687Tyr; replaces cysteine 1687 with tyrosine.
Molecular consequence: missense variant.
Genome position (GRCh38, 1-based): chr16:2,087,933, G>A. VCF-style: chr16-2087933-G-A. GRCh37 (hg19) VCF-style: chr16-2137934-G-A.
Other names: c.4859G>A, p.Cys1620Tyr (NM_001077183.3); c.4991G>A, p.Cys1664Tyr (NM_001114382.3); c.4751G>A, p.Cys1584Tyr (NM_001318827.2); c.4715G>A, p.Cys1572Tyr (NM_001318829.2); c.4328G>A, p.Cys1443Tyr (NM_001318831.2); c.4892G>A, p.Cys1631Tyr (NM_001318832.2); c.4862G>A, p.Cys1621Tyr (NM_001363528.2); c.4928G>A, p.Cys1643Tyr (NM_001370404.1); and 1 more; short protein forms C1443Y, C1620Y, C1584Y, C1643Y, C1664Y, C1572Y, C1631Y, C1644Y.
Identifiers: ClinVar variation 839292 (VCV000839292.13), dbSNP rs2091058156, ClinGen allele CA394311655.

ClinVar aggregate classification (germline): Uncertain significance. Review status: criteria provided, multiple submitters, no conflicts (2 of 4 stars). 3 submissions from 3 submitters: Uncertain significance (3). Last evaluated 2022-09-28.

Conditions:
Hereditary cancer-predisposing syndrome. Also called: Hereditary Cancer Syndrome; Neoplastic Syndromes, Hereditary; Hereditary neoplastic syndrome; Tumor predisposition. Identifiers: Orphanet 140162, MedGen C0027672, MeSH D009386, MONDO:0015356.
Tuberous sclerosis 2 (TSC2). Identifiers: Orphanet 805, MedGen C1860707, MONDO:0013199, OMIM 613254.

gnomAD v4.1: 1 of 1,605,130 alleles (0.000062%); highest among the groups gnomAD compares: Admixed American, 0.0017%; no homozygotes.

Submissions (3):

Ambry Genetics
Classification: Uncertain significance for Hereditary cancer-predisposing syndrome. Last evaluated: 2022-09-28. Review status: criteria provided, single submitter. Criteria: Ambry Variant Classification Scheme 2023. Collection method: clinical testing. Allele origin: germline.
Comment: The p.C1687Y variant (also known as c.5060G>A), located in coding exon 38 of the TSC2 gene, results from a G to A substitution at nucleotide position 5060. The cysteine at codon 1687 is replaced by tyrosine, an amino acid with highly dissimilar properties. This amino acid position is conserved. In addition, this alteration is predicted to be deleterious by in silico analysis. Since supporting evidence is limited at this time, the clinical significance of this alteration remains unclear.

Blueprint Genetics
Classification: Uncertain significance. Last evaluated: 2022-02-01. Review status: criteria provided, single submitter. Criteria: ACMG Guidelines, 2015. Collection method: clinical testing. Allele origin: germline.

Labcorp Genetics (formerly Invitae), Labcorp
Classification: Uncertain significance for Tuberous sclerosis 2. Last evaluated: 2020-04-30. Review status: criteria provided, single submitter. Criteria: Invitae Variant Classification Sherloc (09022015). Collection method: clinical testing. Allele origin: germline.
Comment: In summary, the available evidence is currently insufficient to determine the role of this variant in disease. Therefore, it has been classified as a Variant of Uncertain Significance. Algorithms developed to predict the effect of missense changes on protein structure and function are either unavailable or do not agree on the potential impact of this missense change (SIFT: "Deleterious"; PolyPhen-2: "Probably Damaging"; Align-GVGD: "Class C0"). This variant has not been reported in the literature in individuals with TSC2-related conditions. ClinVar contains an entry for this variant (Variation ID: 839292). This variant is not present in population databases (ExAC no frequency). This sequence change replaces cysteine with tyrosine at codon 1687 of the TSC2 protein (p.Cys1687Tyr). The cysteine residue is highly conserved and there is a large physicochemical difference between cysteine and tyrosine.